The following is an entry in ClinVar:

NM_004667.6(HERC2):c.12801T>A (p.Asp4267Glu)

Gene: HERC2 (HECT and RLD domain containing E3 ubiquitin protein ligase 2; minus strand). Cytogenetic location: 15q13.1.
Variant type: single nucleotide variant.
Coding change: c.12801T>A on transcript NM_004667.6 (MANE Select); coding-DNA position 12801, T replaced by A.
Protein change: p.Asp4267Glu; replaces aspartic acid 4267 with glutamic acid.
Molecular consequence: missense variant.
Genome position (GRCh38, 1-based): chr15:28,130,164, A>T on the plus strand (T>A on the coding strand, the complement: HERC2 is on the minus strand). VCF-style: chr15-28130164-A-T. GRCh37 (hg19) VCF-style: chr15-28375310-A-T.
Other names: short protein forms D4267E.
Identifiers: ClinVar variation 242878 (VCV000242878.17), dbSNP rs373175587, ClinGen allele CA7440216.

ClinVar aggregate classification (germline): Benign. Review status: criteria provided, multiple submitters, no conflicts (2 of 4 stars). 4 submissions from 4 submitters: Benign (3). 1 of the submissions does not count toward it. Last evaluated 2026-02-01.

Conditions:
Inborn genetic diseases. Identifiers: MedGen C0950123, MeSH D030342.
Developmental delay with autism spectrum disorder and gait instability (MRT38). Also called: Intellectual developmental disorder, autosomal recessive 38. Identifiers: Orphanet 329195, MedGen C3809753, MONDO:0014224, OMIM 615516.

Allele frequency attached by ClinVar (database versions not stated): gnomAD 0.00005 and 0.00076; ESP Exome Variant Server 0.00008; TOPMed 0.00015; gnomAD exomes 0.00091 and 0.00172; ExAC 0.00199; 1000 Genomes Project 30x 0.00625; 1000 Genomes Project 0.00699.
gnomAD v4.1: 1,448 of 1,613,922 alleles (0.09%); highest among the groups gnomAD compares: South Asian, 1.5%; 23 homozygotes.

Submissions (4):

CeGaT Center for Human Genetics Tuebingen
Classification: Benign. Last evaluated: 2026-02-01. Review status: criteria provided, single submitter. Criteria: CeGaT Center For Human Genetics Tuebingen Variant Classification Criteria Version 2. Collection method: clinical testing. Allele origin: germline. Affected: yes. Observed: 2 variant alleles.
Comment: HERC2: BS1, BS2

Laboratory for Molecular Medicine, Mass General Brigham Personalized Medicine
Classification: Benign. Last evaluated: 2016-03-29. Review status: criteria provided, single submitter. Criteria: LMM Criteria. Collection method: clinical testing. Allele origin: germline.
Comment: Variant identified in a genome or exome case(s) and assessed due to predicted null impact of the variant or pathogenic assertions in the literature or databases. Disclaimer: This variant has not undergone full assessment. The following are preliminary notes: Gene associated with AR mental retardation, skin/hair/eye pigmentation

Ambry Genetics
Classification: Benign for Inborn genetic diseases. Last evaluated: 2016-03-18. Review status: criteria provided, single submitter. Criteria: Ambry exome assertion method (8-5-2015). Collection method: clinical testing. Allele origin: germline. Affected: yes. Observed: 1 variant allele.

Lupski Lab, Baylor-Hopkins CMG, Baylor College of Medicine
Classification: Pathogenic for Developmental delay with autism spectrum disorder and gait instability. Last evaluated: 2016-01-10. Review status: no assertion criteria provided. Collection method: research. Allele origin: inherited. Inheritance: Autosomal recessive inheritance. Affected: yes. Observed: 1 variant allele, 1 homozygote. Study: The combination of WES, CNV-derived from WES, paralog studies, and GeneMatcher provide potential molecular diagnosis in a cohort from Saudi Arabia. Not counted in ClinVar's aggregate classification.